The following is an entry in ClinVar:

NM_000260.4(MYO7A):c.344C>T (p.Ser115Leu)

Gene: MYO7A (myosin VIIA; plus strand). Cytogenetic location: 11q13.5.
Variant type: single nucleotide variant.
Coding change: c.344C>T on transcript NM_000260.4 (MANE Select); coding-DNA position 344, C replaced by T.
Protein change: p.Ser115Leu; replaces serine 115 with leucine.
Molecular consequence: missense variant.
Genome position (GRCh38, 1-based): chr11:77,155,965, C>T. VCF-style: chr11-77155965-C-T. GRCh37 (hg19) VCF-style: chr11-76867011-C-T.
Other names: c.344C>T, p.Ser115Leu (NM_001127180.2); c.311C>T, p.Ser104Leu (NM_001369365.1); short protein forms S115L, S104L.
Identifiers: ClinVar variation 2153733 (VCV002153733.2), dbSNP rs567274631, ClinGen allele CA6197107.

ClinVar aggregate classification (germline): Uncertain significance (1 of 4 stars; one submission).

Allele frequency attached by ClinVar (database versions not stated): gnomAD exomes 0.00001; TOPMed 0.00001; gnomAD 0.00002; ExAC 0.00003; 1000 Genomes Project 30x 0.00016; 1000 Genomes Project 0.00020.
gnomAD v4.1: 17 of 1,612,728 alleles (0.0011%); highest among the groups gnomAD compares: East Asian, 0.0067%; no homozygotes.

Submission:

Labcorp Genetics (formerly Invitae), Labcorp
Classification: Uncertain significance. Last evaluated: 2025-08-21. Review status: criteria provided, single submitter. Criteria: Invitae Variant Classification Sherloc (09022015). Collection method: clinical testing. Allele origin: germline.
Comment: This sequence change replaces serine, which is neutral and polar, with leucine, which is neutral and non-polar, at codon 115 of the MYO7A protein (p.Ser115Leu). This variant is present in population databases (rs567274631, gnomAD 0.01%). This variant has not been reported in the literature in individuals affected with MYO7A-related conditions. ClinVar contains an entry for this variant (Variation ID: 2153733). Invitae Evidence Modeling of protein sequence and biophysical properties (such as structural, functional, and spatial information, amino acid conservation, physicochemical variation, residue mobility, and thermodynamic stability) indicates that this missense variant is not expected to disrupt MYO7A protein function with a negative predictive value of 95%. In summary, the available evidence is currently insufficient to determine the role of this variant in disease. Therefore, it has been classified as a Variant of Uncertain Significance.